The following is an entry in ClinVar:

ClinVar aggregate classification (germline): Uncertain significance (1 of 4 stars; one submission).

gnomAD v4.1: 6 of 1,613,398 alleles (0.00037%); highest among the groups gnomAD compares: East Asian, 0.0067%; no homozygotes.

Submission:

Labcorp Genetics (formerly Invitae), Labcorp
Classification: Uncertain significance. Last evaluated: 2025-05-22. Review status: criteria provided, single submitter. Criteria: Invitae Variant Classification Sherloc (09022015). Collection method: clinical testing. Allele origin: germline.
Comment: This sequence change replaces arginine, which is basic and polar, with histidine, which is basic and polar, at codon 546 of the RARS protein (p.Arg546His). This variant is present in population databases (rs200955736, gnomAD 0.006%). This variant has not been reported in the literature in individuals affected with RARS-related conditions. Invitae Evidence Modeling of protein sequence and biophysical properties (such as structural, functional, and spatial information, amino acid conservation, physicochemical variation, residue mobility, and thermodynamic stability) indicates that this missense variant is expected to disrupt RARS protein function with a positive predictive value of 80%. In summary, the available evidence is currently insufficient to determine the role of this variant in disease. Therefore, it has been classified as a Variant of Uncertain Significance.

NM_002887.4(RARS1):c.1637G>A (p.Arg546His)

Gene: RARS1 (arginyl-tRNA synthetase 1; plus strand). Cytogenetic location: 5q34.
Variant type: single nucleotide variant.
Coding change: c.1637G>A on transcript NM_002887.4 (MANE Select); coding-DNA position 1637, G replaced by A.
Protein change: p.Arg546His; replaces arginine 546 with histidine.
Molecular consequence: missense variant.
Genome position (GRCh38, 1-based): chr5:168,517,826, G>A. VCF-style: chr5-168517826-G-A. GRCh37 (hg19) VCF-style: chr5-167944831-G-A.
Other names: short protein forms R546H.
Identifiers: ClinVar variation 4691154 (VCV004691154.1).
Genomic context (GRCh38, chr5:168,517,826, plus strand): 5'-AAAAAGGGAACAGTGGTGATTGCCTGATGATTTTTTTGTTTTTTTTAAGGTCTATTGCAC[G>A]TCTGGCCAATATTGATGAAGAAATGCTCCAAAAAGCTGCTCGAGAAACCAAGATTCTTTT-3'
Protein context (NP_002878.2, residues 536-556): YAFTRIRSIA[Arg546His]LANIDEEMLQ